The following is an entry in ClinVar:

ClinVar aggregate classification (germline): Uncertain significance (1 of 4 stars; one submission).

Submission:

GeneDx
Classification: Uncertain significance. Last evaluated: 2020-07-29. Review status: criteria provided, single submitter. Criteria: GeneDx Variant Classification Process June 2021. Collection method: clinical testing. Allele origin: germline. Affected: yes.
Comment: Not observed in large population cohorts (Lek et al., 2016); In silico analysis supports that this missense variant does not alter protein structure/function; Has not been previously published as pathogenic or benign to our knowledge

NM_018100.4(EFHC1):c.1763A>G (p.Lys588Arg)

Gene: EFHC1 (EF-hand domain containing 1; plus strand). Cytogenetic location: 6p12.2.
Variant type: single nucleotide variant.
Coding change: c.1763A>G on transcript NM_018100.4 (MANE Select); coding-DNA position 1763, A replaced by G.
Protein change: p.Lys588Arg; replaces lysine 588 with arginine.
Molecular consequence: missense variant. On other transcripts: non-coding transcript variant (1).
Genome position (GRCh38, 1-based): chr6:52,490,262, A>G. VCF-style: chr6-52490262-A-G. GRCh37 (hg19) VCF-style: chr6-52355060-A-G.
Other names: c.1706A>G, p.Lys569Arg (NM_001172420.2); short protein forms K588R, K569R.
Identifiers: ClinVar variation 432882 (VCV000432882.4), dbSNP rs1554262192, ClinGen allele CA364458824.